The following is an entry in ClinVar:

ClinVar aggregate classification (germline): Uncertain significance (1 of 4 stars; one submission).

Submission:

GeneDx
Classification: Uncertain significance. Last evaluated: 2024-04-08. Review status: criteria provided, single submitter. Criteria: GeneDx Variant Classification Process June 2021. Collection method: clinical testing. Allele origin: germline. Affected: yes.
Comment: Not observed at significant frequency in large population cohorts (gnomAD); In silico analysis supports that this missense variant has a deleterious effect on protein structure/function; Has not been previously published as pathogenic or benign to our knowledge

NM_015557.3(CHD5):c.3736A>G (p.Asn1246Asp)

Gene: CHD5 (chromodomain helicase DNA binding protein 5; minus strand). Cytogenetic location: 1p36.31.
Variant type: single nucleotide variant.
Coding change: c.3736A>G on transcript NM_015557.3 (MANE Select); coding-DNA position 3736, A replaced by G.
Protein change: p.Asn1246Asp; replaces asparagine 1246 with aspartic acid.
Molecular consequence: missense variant.
Genome position (GRCh38, 1-based): chr1:6,128,213, T>C on the plus strand (A>G on the coding strand, the complement: CHD5 is on the minus strand). VCF-style: chr1-6128213-T-C. GRCh37 (hg19) VCF-style: chr1-6188273-T-C.
Other names: short protein forms N1246D.
Identifiers: ClinVar variation 3373757 (VCV003373757.1).